The following is an entry in ClinVar:

NM_024422.6(DSC2):c.474+5C>T

Gene: DSC2 (desmocollin 2; minus strand). Cytogenetic location: 18q12.1.
Variant type: single nucleotide variant.
Coding change: c.474+5C>T on transcript NM_024422.6 (MANE Select); 5 bases into the intron after coding-DNA position 474, C replaced by T.
Molecular consequence: intron variant.
Genome position (GRCh38, 1-based): chr18:31,091,023, G>A on the plus strand (C>T on the coding strand, the complement: DSC2 is on the minus strand). VCF-style: chr18-31091023-G-A. GRCh37 (hg19) VCF-style: chr18-28670986-G-A.
Other names: c.474+5C>T (NM_004949.5).
Identifiers: ClinVar variation 626554 (VCV000626554.15), dbSNP rs397517400, ClinGen allele CA038531.

ClinVar aggregate classification (germline): Conflicting classifications of pathogenicity. Review status: criteria provided, conflicting classifications (1 of 4 stars). 6 submissions from 6 submitters: Uncertain significance (3); Likely benign (3). Last evaluated 2025-12-10.

Conditions:
Arrhythmogenic right ventricular dysplasia 11. Also called: Arrhythmogenic Right Ventricular Dysplasia/Cardiomyopathy11; ARRHYTHMOGENIC RIGHT VENTRICULAR DYSPLASIA, FAMILIAL, 11; Arrhythmogenic right ventricular dysplasia 11 with mild palmoplantar keratoderma and woolly hair. Identifiers: MedGen C1864850, MONDO:0012506, OMIM 610476.
Cardiovascular phenotype. Identifiers: MedGen CN230736.
Familial isolated arrhythmogenic right ventricular dysplasia. Identifiers: Orphanet 217656, MedGen C4274968, MONDO:0016342.
Cardiomyopathy (CMYO). Also called: Cardiomyopathies. Identifiers: Orphanet 167848, MedGen C0878544, MONDO:0004994, HP:0001638. Inheritance: Various modes of inheritance.

Allele frequency attached by ClinVar (database versions not stated): gnomAD 0.00001 and 0.00003; TOPMed 0.00001; ExAC 0.00002.
gnomAD v4.1: 48 of 1,613,740 alleles (0.003%); highest among the groups gnomAD compares: South Asian, 0.014%; no homozygotes.

Submissions (6):

Labcorp Genetics (formerly Invitae), Labcorp
Classification: Uncertain significance for Arrhythmogenic right ventricular dysplasia 11. Last evaluated: 2025-12-10. Review status: criteria provided, single submitter. Criteria: Invitae Variant Classification Sherloc (09022015). Collection method: clinical testing. Allele origin: germline.
Comment: This sequence change falls in intron 4 of the DSC2 gene. It does not directly change the encoded amino acid sequence of the DSC2 protein. It affects a nucleotide within the consensus splice site. This variant is present in population databases (rs397517400, gnomAD 0.01%). This variant has not been reported in the literature in individuals affected with DSC2-related conditions. ClinVar contains an entry for this variant (Variation ID: 626554). Variants that disrupt the consensus splice site are a relatively common cause of aberrant splicing (PMID: 17576681, 9536098). Algorithms developed to predict the effect of sequence changes on RNA splicing suggest that this variant is not likely to affect RNA splicing. In summary, the available evidence is currently insufficient to determine the role of this variant in disease. Therefore, it has been classified as a Variant of Uncertain Significance.

Blueprint Genetics
Classification: Uncertain significance. Last evaluated: 2024-04-12. Review status: criteria provided, single submitter. Criteria: ACMG Guidelines, 2015. Collection method: clinical testing. Allele origin: germline.

All of Us Research Program, National Institutes of Health
Classification: Likely benign for Familial isolated arrhythmogenic right ventricular dysplasia. Last evaluated: 2023-12-13. Review status: criteria provided, single submitter. Criteria: ACMG Guidelines, 2015. Collection method: clinical testing. Allele origin: germline. Inheritance: Autosomal dominant inheritance. Observed: 5 variant alleles, 5 heterozygotes.
Comment: This study involves interpretation of variants in research participants for the purpose of population health screening. Participant phenotype was not available at the time of variant classification. Additional details can be found in publication PMID: 35346344, PMCID: PMC8962531

Ambry Genetics
Classification: Likely benign for Cardiovascular phenotype. Last evaluated: 2022-12-06. Review status: criteria provided, single submitter. Criteria: Ambry Variant Classification Scheme 2023. Collection method: clinical testing. Allele origin: germline.

Color Diagnostics, LLC DBA Color Health
Classification: Likely benign for Cardiomyopathy. Last evaluated: 2018-11-16. Review status: criteria provided, single submitter. Criteria: ACMG Guidelines, 2015. Collection method: clinical testing. Allele origin: germline.

CHEO Genetics Diagnostic Laboratory, Children's Hospital of Eastern Ontario
Classification: Uncertain significance for Cardiomyopathy. Last evaluated: 2017-03-20. Review status: criteria provided, single submitter. Criteria: ACMG Guidelines, 2015. Collection method: clinical testing. Allele origin: germline. Study: Canadian Open Genetics Repository.

Literature cited by the submitters: PubMed 17576681 (cited by Labcorp Genetics (formerly Invitae), Labcorp); PubMed 9536098 (cited by Labcorp Genetics (formerly Invitae), Labcorp).